The following is an entry in ClinVar:

ClinVar aggregate classification (germline): Likely benign. Review status: criteria provided, multiple submitters, no conflicts (2 of 4 stars). 4 submissions from 4 submitters: Likely benign (4). Last evaluated 2026-06-01.

Conditions:
TRPV6-related disorder. Also called: TRPV6-related condition.

gnomAD v4.1: 107 of 1,613,818 alleles (0.0066%); highest among the groups gnomAD compares: South Asian, 0.027%; 5 homozygotes.

Submissions (4):

CeGaT Center for Human Genetics Tuebingen
Classification: Likely benign. Last evaluated: 2026-06-01. Review status: criteria provided, single submitter. Criteria: CeGaT Center For Human Genetics Tuebingen Variant Classification Criteria Version 2. Collection method: clinical testing. Allele origin: germline. Affected: yes. Observed: 1 variant allele.
Comment: TRPV6: BP4, BP7

Labcorp Genetics (formerly Invitae), Labcorp
Classification: Likely benign. Last evaluated: 2025-10-15. Review status: criteria provided, single submitter. Criteria: Invitae Variant Classification Sherloc (09022015). Collection method: clinical testing. Allele origin: germline.

PreventionGenetics, part of Exact Sciences
Classification: Likely benign for TRPV6-related condition. Last evaluated: 2024-12-07. Review status: criteria provided, single submitter. Criteria: ACMG Guidelines, 2015. Collection method: clinical testing. Allele origin: germline.
Comment: This variant is classified as likely benign based on ACMG/AMP sequence variant interpretation guidelines (Richards et al. 2015 PMID: 25741868, with internal and published modifications).

Blueprint Genetics
Classification: Likely benign. Last evaluated: 2024-10-16. Review status: criteria provided, single submitter. Criteria: ACMG Guidelines, 2015. Collection method: clinical testing. Allele origin: germline.

NM_018646.6(TRPV6):c.645T>C (p.Ser215=)

Gene: TRPV6 (transient receptor potential cation channel subfamily V member 6; minus strand). Cytogenetic location: 7q34.
Variant type: single nucleotide variant.
Coding change: c.645T>C on transcript NM_018646.6 (MANE Select); coding-DNA position 645, T replaced by C.
Protein change: p.Ser215=; no amino-acid change (serine 215 retained).
Molecular consequence: synonymous variant.
Genome position (GRCh38, 1-based): chr7:142,876,800, A>G on the plus strand (T>C on the coding strand, the complement: TRPV6 is on the minus strand). VCF-style: chr7-142876800-A-G. GRCh37 (hg19) VCF-style: chr7-142574553-A-G.
Other names: c.645T>C (NM_018646.5).
Identifiers: ClinVar variation 4740276 (VCV004740276.5).